The following is an entry in ClinVar:

ClinVar aggregate classification (germline): Pathogenic (1 of 4 stars; one submission).

Submission:

Quest Diagnostics Nichols Institute San Juan Capistrano
Classification: Pathogenic. Last evaluated: 2023-05-19. Review status: criteria provided, single submitter. Criteria: ACMG/ClinGen CNV Guidelines, 2019. Collection method: clinical testing. Allele origin: unknown.
Comment: The 17q11.2 deletion interval involves several genes, including NF1 (OMIM 613113), and is associated with chromosome 17q11.2 deletion syndrome (OMIM 613675; Jenne et al., Am J Hum Genet. 2001 Sep;69(3):516-27. PMID: 11468690; Mautner et al., J Med Genet. 2010 Sep;47(9):623-30. PMID: 20543202; Pasmant et al., Hum Mutat. 2010 Jun;31(6):E1506-18. PMID: 20513137; GeneReviews [Internet]. Based on current literature, this copy number variant is classified as pathogenic.

GRCh37/hg19 17q11.2(chr17:28387597-30812008)x1

Genes: ADAP2 (ArfGAP with dual PH domains 2; plus strand), ATAD5 (ATPase family AAA domain containing 5; plus strand), BLMH (bleomycin hydrolase; minus strand), C17orf75 (chromosome 17 open reading frame 75; minus strand), COPRS (coordinator of PRMT5 and differentiation stimulator; minus strand) and 23 more. Cytogenetic location: 17q11.2.
Variant type: copy number loss.
Change: copy number 1 (one copy instead of two) of chr17:28,387,597-30,812,008 (2.42 Mb, GRCh37 coordinates, 1-based), cytogenetic band 17q11.2.
Identifiers: ClinVar variation 2685600 (VCV002685600.1).